The following is an entry in ClinVar:

ClinVar aggregate classification (germline): Likely benign (1 of 4 stars; one submission).

gnomAD v4.1: 148 of 1,614,178 alleles (0.0092%); highest among the groups gnomAD compares: Admixed American, 0.033%; no homozygotes.

Submission:

CeGaT Center for Human Genetics Tuebingen
Classification: Likely benign. Last evaluated: 2025-12-01. Review status: criteria provided, single submitter. Criteria: CeGaT Center For Human Genetics Tuebingen Variant Classification Criteria Version 2. Collection method: clinical testing. Allele origin: germline. Affected: yes. Observed: 1 variant allele.
Comment: SRRM2: BP1, BS2

NM_016333.4(SRRM2):c.5359C>T (p.Arg1787Cys)

Gene: SRRM2 (serine/arginine repetitive matrix 2; plus strand). Cytogenetic location: 16p13.3.
Variant type: single nucleotide variant.
Coding change: c.5359C>T on transcript NM_016333.4 (MANE Select); coding-DNA position 5359, C replaced by T.
Protein change: p.Arg1787Cys; replaces arginine 1787 with cysteine.
Molecular consequence: missense variant.
Genome position (GRCh38, 1-based): chr16:2,765,887, C>T. VCF-style: chr16-2765887-C-T. GRCh37 (hg19) VCF-style: chr16-2815888-C-T.
Other names: short protein forms R1787C.
Identifiers: ClinVar variation 4681352 (VCV004681352.5).